The following is an entry in ClinVar:

ClinVar aggregate classification (germline): Uncertain significance. Review status: criteria provided, multiple submitters, no conflicts (2 of 4 stars). 3 submissions from 3 submitters: Uncertain significance (3). Last evaluated 2024-06-04.

Conditions:
Inborn genetic diseases. Identifiers: MedGen C0950123, MeSH D030342.
Joubert syndrome 21 (JBTS21). Identifiers: MedGen C3810212, MONDO:0014288, OMIM 615636.

Allele frequency attached by ClinVar (database versions not stated): gnomAD 0.00009 and 0.00011; ExAC 0.00001; gnomAD exomes 0.00002; TOPMed 0.00007; ESP Exome Variant Server 0.00008.
gnomAD v4.1: 43 of 1,614,118 alleles (0.0027%); highest among the groups gnomAD compares: Middle Eastern, 0.066%; no homozygotes.

Submissions (3):

Ambry Genetics
Classification: Uncertain significance for Inborn genetic diseases. Last evaluated: 2024-06-04. Review status: criteria provided, single submitter. Criteria: Ambry Variant Classification Scheme 2023. Collection method: clinical testing. Allele origin: germline.

Labcorp Genetics (formerly Invitae), Labcorp
Classification: Uncertain significance for Joubert syndrome 21. Last evaluated: 2022-07-26. Review status: criteria provided, single submitter. Criteria: Invitae Variant Classification Sherloc (09022015). Collection method: clinical testing. Allele origin: germline.
Comment: This sequence change replaces glutamine, which is neutral and polar, with glutamic acid, which is acidic and polar, at codon 1214 of the CSPP1 protein (p.Gln1214Glu). This variant is present in population databases (rs368550470, gnomAD 0.02%). This variant has not been reported in the literature in individuals affected with CSPP1-related conditions. ClinVar contains an entry for this variant (Variation ID: 856867). Algorithms developed to predict the effect of missense changes on protein structure and function are either unavailable or do not agree on the potential impact of this missense change (SIFT: "Tolerated"; PolyPhen-2: "Probably Damaging"; Align-GVGD: "Class C0"). In summary, the available evidence is currently insufficient to determine the role of this variant in disease. Therefore, it has been classified as a Variant of Uncertain Significance.

Blueprint Genetics
Classification: Uncertain significance. Last evaluated: 2021-11-16. Review status: criteria provided, single submitter. Criteria: ACMG Guidelines, 2015. Collection method: clinical testing. Allele origin: germline.

NM_001382391.1(CSPP1):c.3655C>G (p.Gln1219Glu)

Genes: ARFGEF1 (ARF guanine nucleotide exchange factor 1; minus strand), CSPP1 (centrosome and spindle pole associated protein 1; plus strand). Cytogenetic location: 8q13.2.
Variant type: single nucleotide variant.
Coding change: c.3655C>G on transcript NM_001382391.1 (MANE Select); coding-DNA position 3655, C replaced by G.
Protein change: p.Gln1219Glu; replaces glutamine 1219 with glutamic acid.
Molecular consequence: missense variant. On other transcripts: 3 prime UTR variant (1), intron variant (2).
Genome position (GRCh38, 1-based): chr8:67,195,567, C>G. VCF-style: chr8-67195567-C-G. GRCh37 (hg19) VCF-style: chr8-68107802-C-G.
Other names: c.2605C>G, p.Gln869Glu (NM_001291339.2); c.3574C>G, p.Gln1192Glu (NM_001363131.2); c.3460C>G, p.Gln1154Glu (NM_001363132.2); c.3379C>G, p.Gln1127Glu (NM_001363133.2); c.3721C>G, p.Gln1241Glu (NM_001364869.1); c.3541C>G, p.Gln1181Glu (NM_001364870.1); c.3487C>G, p.Gln1163Glu (NM_001438330.1); c.*147C>G (NM_001438331.1); and 4 more; short protein forms Q1181E, Q1192E, Q1241E, Q869E, Q1214E, Q1154E, Q1127E, Q1219E.
Identifiers: ClinVar variation 856867 (VCV000856867.6), dbSNP rs368550470, ClinGen allele CA4771236.
Genomic context (GRCh38, chr8:67,195,567, plus strand): 5'-GCAGAGCAGCTGAACCAGGAGCAGCAGCAGATTCCTGGAAAACCAGGCACTTTCACTTGG[C>G]AGGGCCTGTCGACTGCACATGGTTAAAATAAACCTGTACTGGACCCAGTAGTGCCTTTTA-3'
Protein context (NP_001369320.1, residues 1209-1226): IPGKPGTFTW[Gln1219Glu]GLSTAHG